The following is an entry in ClinVar:

ClinVar aggregate classification (germline): Pathogenic. Review status: criteria provided, multiple submitters, no conflicts (2 of 4 stars). 7 submissions from 7 submitters: Pathogenic (5). 2 of the submissions do not count toward it. Last evaluated 2026-01-01.

Conditions:
Alstrom syndrome (ALMS). Identifiers: Orphanet 64, MedGen C0268425, MONDO:0008763, OMIM 203800.

Submissions (7):

Variantyx, Inc.
Classification: Pathogenic for Alstrom syndrome. Last evaluated: 2026-01-01. Review status: criteria provided, single submitter. Criteria: Variantyx Assertion Criteria 2022. Collection method: clinical testing. Allele origin: germline. Inheritance: Autosomal recessive inheritance. Affected: no.
Comment: This is a frameshift variant in the ALMS1 gene (OMIM: 606844). Pathogenic variants in this gene have been associated with autosomal recessive Alstrom syndrome. This variant introduces a premature termination codon in exon 8 out of 23 and is expected to result in loss of function, which is a known disease mechanism for ALMS1 in this disorder (PMID: 17594715, 37439038) (PVS1). This variant has been identified in the homozygous or compound heterozygous state in at least two individuals reported in the published literature (PMID: 37439038, 17594715) (PM3). It has a 0.0045% maximum allele frequency in non-founder control populations (PM2). Based on the current evidence, this variant is classified as pathogenic for autosomal recessive Alstrom syndrome.

GeneDx
Classification: Pathogenic. Last evaluated: 2024-11-06. Review status: criteria provided, single submitter. Criteria: GeneDx Variant Classification Process June 2021. Collection method: clinical testing. Allele origin: germline. Affected: yes.
Comment: Frameshift variant predicted to result in protein truncation or nonsense mediated decay in a gene for which loss of function is a known mechanism of disease; Not observed at significant frequency in large population cohorts (gnomAD); This variant is associated with the following publications: (PMID: 17594715, 35314707, 37439038)

Labcorp Genetics (formerly Invitae), Labcorp
Classification: Pathogenic for Alstrom syndrome. Last evaluated: 2023-10-04. Review status: criteria provided, single submitter. Criteria: Invitae Variant Classification Sherloc (09022015). Collection method: clinical testing. Allele origin: germline.
Comment: This sequence change creates a premature translational stop signal (p.Tyr727Leufs*12) in the ALMS1 gene. It is expected to result in an absent or disrupted protein product. Loss-of-function variants in ALMS1 are known to be pathogenic (PMID: 17594715). This variant is present in population databases (no rsID available, gnomAD 0.006%). This premature translational stop signal has been observed in individual(s) with Alstrom syndrome (PMID: 17594715). ClinVar contains an entry for this variant (Variation ID: 555437). For these reasons, this variant has been classified as Pathogenic.

3billion
Classification: Pathogenic for Alstrom syndrome. Last evaluated: 2023-08-29. Review status: criteria provided, single submitter. Criteria: ACMG Guidelines, 2015. Collection method: clinical testing. Allele origin: germline. Affected: yes.
Comment: The variant is observed at an extremely low frequency in the gnomAD v2.1.1 dataset (total allele frequency: 0.000%). Predicted Consequence/Location: Frameshift: predicted to result in a loss or disruption of normal protein function through nonsense-mediated decay (NMD) or protein truncation. Multiple pathogenic variants are reported downstream of the variant. The variant has been reported at least twice as pathogenic with clinical assertions and evidence for the classification (ClinVar ID: VCV000555437 /PMID: 17594715). Therefore, this variant is classified as Pathogenic according to the recommendation of ACMG/AMP guideline.

Fulgent Genetics
Classification: Pathogenic for Alstrom syndrome. Last evaluated: 2021-08-19. Review status: criteria provided, single submitter. Criteria: ACMG Guidelines, 2015. Collection method: clinical testing. Allele origin: unknown.

Natera, Inc.
Classification: Pathogenic for Alstrom syndrome. Last evaluated: 2020-07-28. Review status: no assertion criteria provided. Collection method: clinical testing. Allele origin: germline. Not counted in ClinVar's aggregate classification.

Counsyl
Classification: Likely pathogenic for Alstrom syndrome. Last evaluated: 2017-12-05. Review status: no assertion criteria provided. Collection method: clinical testing. Allele origin: unknown. Not counted in ClinVar's aggregate classification.

Literature cited by the submitters: PubMed 17594715 (cited by 4 submitters); PubMed 37439038 (cited by Variantyx, Inc.).

NM_001378454.1(ALMS1):c.2176dup (p.Tyr726fs)

Gene: ALMS1 (ALMS1 centrosome and basal body associated protein; plus strand). Cytogenetic location: 2p13.1.
Variant type: Duplication.
Coding change: c.2176dup on transcript NM_001378454.1 (MANE Select); coding-DNA position 2176, one base duplicated (T; older notation c.2176dupT).
Protein change: p.Tyr726fs; shifts the reading frame from tyrosine 726.
Molecular consequence: frameshift variant.
Genome position (GRCh38, 1-based): chr2:73,448,703, T duplicated; the last of 6 consecutive T bases (chr2:73,448,698-73,448,703); duplicating any one gives the same sequence. VCF-style (leftmost placement, unchanged base first): chr2-73448697-A-AT. GRCh37 (hg19) VCF-style: chr2-73675824-A-AT.
Other names: c.2179dup, p.Tyr727fs (NM_015120.4); c.2179dupT (NM_015120.4); c.2173dup (NM_001378454.1); short protein forms Y727fs, Y726fs.
Identifiers: ClinVar variation 555437 (VCV000555437.19), dbSNP rs771459937, ClinGen allele CA534125663.
Genomic context (GRCh38, chr2:73,448,697, plus strand): 5'-CAGAAGACTGGGACAGCAACAGTACTCTCTACTCCCCACTCACATAGAGAGAAGCCTGGT[A>AT]TTTTTTACCAACAAGAGTTCGCAGACAGTCATCAAACTGAAGAGACTCTTACTAAAGTTT-3'